The following is an entry in ClinVar:

ClinVar aggregate classification (germline): Conflicting classifications of pathogenicity. Review status: criteria provided, conflicting classifications (1 of 4 stars). 4 submissions from 4 submitters: Uncertain significance (1); Benign (1); Likely benign (2). Last evaluated 2024-04-29.

Conditions:
Hereditary cancer-predisposing syndrome. Also called: Tumor predisposition; Hereditary neoplastic syndrome; Neoplastic Syndromes, Hereditary; Hereditary Cancer Syndrome. Identifiers: Orphanet 140162, MedGen C0027672, MeSH D009386, MONDO:0015356.
Familial cancer of breast. Also called: hereditary breast carcinoma; Hereditary breast cancer; BREAST CANCER, FAMILIAL. Identifiers: Orphanet 227535, MedGen C0346153, MONDO:0016419, OMIM 114480. Disease mechanism: loss of function.
Ataxia-telangiectasia syndrome (AT). Also called: Ataxia-telangiectasia, complementation group E; AT, COMPLEMENTATION GROUP C; ATAXIA-TELANGIECTASIA, COMPLEMENTATION GROUP A; ATAXIA-TELANGIECTASIA, FRESNO VARIANT; Ataxia-telangiectasia; LOUIS-BAR SYNDROME. Identifiers: Orphanet 100, MedGen C0004135, MONDO:0008840, OMIM 208900.

Allele frequency attached by ClinVar (database versions not stated): gnomAD exomes below 0.00001.
gnomAD v4.1: 2 of 1,614,172 alleles (0.00012%); highest among the groups gnomAD compares: Non-Finnish European, 0.000085%; no homozygotes.

Submissions (4):

Myriad Genetics, Inc.
Classification: Benign for Familial cancer of breast. Last evaluated: 2024-04-29. Review status: criteria provided, single submitter. Criteria: Myriad Autosomal Dominant, Autosomal Recessive and X-Linked Classification Criteria (2023). Collection method: clinical testing. Allele origin: unknown.
Comment: This variant is considered benign. This variant is a silent/synonymous amino acid change and it is not expected to impact splicing.

Labcorp Genetics (formerly Invitae), Labcorp
Classification: Likely benign for Ataxia-telangiectasia syndrome. Last evaluated: 2023-06-20. Review status: criteria provided, single submitter. Criteria: Invitae Variant Classification Sherloc (09022015). Collection method: clinical testing. Allele origin: germline.

Sema4
Classification: Uncertain significance for Hereditary cancer-predisposing syndrome. Last evaluated: 2022-03-06. Review status: criteria provided, single submitter. Criteria: Sema4 Curation Guidelines. Collection method: curation. Allele origin: germline.
Comment: The ATM c.1584T>C (p.T528=) variant has not been reported in the literature to our knowledge. This variant is not reported in the population database Genome Aggregation Database (PMID 32461654). The variant has been reported in ClinVar (Variation ID 220170). In silico tools that predict the effect of sequence changes on splicing suggest that this variant may impact splicing, though these predictions have not been confirmed by functional studies., though these predictions have not been confirmed by functional studies. The evidence is insufficient to meet ACMG/AMP criteria for classifying the variant as benign or pathogenic. Thus, the clinical significance of this variant is currently uncertain.

Ambry Genetics
Classification: Likely benign for Hereditary cancer-predisposing syndrome. Last evaluated: 2015-12-17. Review status: criteria provided, single submitter. Criteria: Ambry Variant Classification Scheme 2023. Collection method: clinical testing. Allele origin: germline.

NM_000051.4(ATM):c.1584T>C (p.Thr528=)

Gene: ATM (ATM serine/threonine kinase; plus strand). Cytogenetic location: 11q22.3.
Variant type: single nucleotide variant.
Coding change: c.1584T>C on transcript NM_000051.4 (MANE Select); coding-DNA position 1584, T replaced by C.
Protein change: p.Thr528=; no amino-acid change (threonine 528 retained).
Molecular consequence: synonymous variant.
Genome position (GRCh38, 1-based): chr11:108,251,049, T>C. VCF-style: chr11-108251049-T-C. GRCh37 (hg19) VCF-style: chr11-108121776-T-C.
Other names: c.1584T>C, p.Thr528= (NM_001351834.2).
Identifiers: ClinVar variation 220170 (VCV000220170.14), dbSNP rs864622408, ClinGen allele CA348353.